The following is an entry in ClinVar:

NM_000548.5(TSC2):c.1307C>T (p.Pro436Leu)

Gene: TSC2 (TSC complex subunit 2; plus strand). Cytogenetic location: 16p13.3.
Variant type: single nucleotide variant.
Coding change: c.1307C>T on transcript NM_000548.5 (MANE Select); coding-DNA position 1307, C replaced by T.
Protein change: p.Pro436Leu; replaces proline 436 with leucine.
Molecular consequence: missense variant.
Genome position (GRCh38, 1-based): chr16:2,062,546, C>T. VCF-style: chr16-2062546-C-T. GRCh37 (hg19) VCF-style: chr16-2112547-C-T.
Other names: p.P436L:CCG>CTG; c.1307C>T, p.Pro436Leu (NM_001077183.3, NM_001114382.3, NM_001363528.2 and 3 more transcripts); c.1196C>T, p.Pro399Leu (NM_001318827.2); c.1160C>T, p.Pro387Leu (NM_001318829.2); c.707C>T, p.Pro236Leu (NM_001318831.2); c.1340C>T, p.Pro447Leu (NM_001318832.2); short protein forms P436L, P447L, P236L, P387L, P399L.
Identifiers: ClinVar variation 207713 (VCV000207713.22), dbSNP rs796053485, ClinGen allele CA319435.

ClinVar aggregate classification (germline): Conflicting classifications of pathogenicity. Review status: criteria provided, conflicting classifications (1 of 4 stars). 6 submissions from 6 submitters: Uncertain significance (5); Likely benign (1). Last evaluated 2025-12-10.

Conditions:
Hereditary cancer-predisposing syndrome. Also called: Neoplastic Syndromes, Hereditary; Hereditary Cancer Syndrome; Tumor predisposition; Hereditary neoplastic syndrome. Identifiers: Orphanet 140162, MedGen C0027672, MeSH D009386, MONDO:0015356.
Tuberous sclerosis syndrome (TSC). Also called: Tuberous Sclerosis Complex; Tuberous sclerosis. Identifiers: Orphanet 805, MedGen C0041341, MONDO:0001734.
Isolated focal cortical dysplasia type II (FCORD2). Also called: CORTICAL DYSPLASIA OF TAYLOR; Focal cortical dysplasia type II. Identifiers: Orphanet 268994, MedGen C1846385, MONDO:0011818, OMIM 607341, HP:0032051.
Tuberous sclerosis 2 (TSC2). Identifiers: Orphanet 805, MedGen C1860707, MONDO:0013199, OMIM 613254.

Allele frequency attached by ClinVar (database versions not stated): TOPMed 0.00001.
gnomAD v4.1: 10 of 1,612,222 alleles (0.00062%); highest among the groups gnomAD compares: East Asian, 0.0067%; no homozygotes.

Submissions (6):

Ambry Genetics
Classification: Uncertain significance for Hereditary cancer-predisposing syndrome. Last evaluated: 2025-12-10. Review status: criteria provided, single submitter. Criteria: Ambry Variant Classification Scheme 2023. Collection method: clinical testing. Allele origin: germline.
Comment: The p.P436L variant (also known as c.1307C>T), located in coding exon 12 of the TSC2 gene, results from a C to T substitution at nucleotide position 1307. The proline at codon 436 is replaced by leucine, an amino acid with similar properties. This amino acid position is highly conserved in available vertebrate species. In addition, this alteration is predicted to be deleterious by in silico analysis. Since supporting evidence is limited at this time, the clinical significance of this alteration remains unclear.

Labcorp Genetics (formerly Invitae), Labcorp
Classification: Likely benign for Tuberous sclerosis 2. Last evaluated: 2025-11-04. Review status: criteria provided, single submitter. Criteria: Invitae Variant Classification Sherloc (09022015). Collection method: clinical testing. Allele origin: germline.

Color Diagnostics, LLC DBA Color Health
Classification: Uncertain significance for Tuberous sclerosis syndrome. Last evaluated: 2025-08-20. Review status: criteria provided, single submitter. Criteria: ACMG Guidelines, 2015. Collection method: clinical testing. Allele origin: germline.
Comment: This missense variant replaces proline with leucine at codon 436 of the TSC2 protein. Computational prediction suggests that this variant may have deleterious impact on protein structure and function. To our knowledge, functional studies have not been reported for this variant. This variant has not been reported in individuals affected with TSC2-related disorders in the literature. This variant has not been identified in the general population by the Genome Aggregation Database (gnomAD). The available evidence is insufficient to determine the role of this variant in disease conclusively. Therefore, this variant is classified as a Variant of Uncertain Significance.

Baylor Genetics
Classification: Uncertain significance for Isolated focal cortical dysplasia type II. Last evaluated: 2023-05-16. Review status: criteria provided, single submitter. Criteria: ACMG Guidelines, 2015. Collection method: clinical testing. Allele origin: unknown.

Genome-Nilou Lab
Classification: Uncertain significance for Tuberous sclerosis 2. Last evaluated: 2021-11-07. Review status: criteria provided, single submitter. Criteria: ACMG Guidelines, 2015. Collection method: clinical testing. Allele origin: germline. Affected: no.

GeneDx
Classification: Uncertain significance. Last evaluated: 2014-09-09. Review status: criteria provided, single submitter. Criteria: GeneDx Variant Classification (06012015). Collection method: clinical testing. Allele origin: germline. Affected: yes.
Comment: p.Pro436Leu (CCG>CTG): c.1307 C>T in exon 13 of the TSC2 gene (NM_000548.3)A variant of unknown significance has been identified in the TSC2 gene. The P436L variant has not been published as a mutation, nor has it been reported as a benign polymorphism to our knowledge. It was not observed in approximately 6,500 individuals of European and African American ancestry in the NHLBI Exome Sequencing Project, indicating it is not a common benign variant in these populations. The P436L variant is a semi-conservative amino acid substitution, which may impact secondary protein structure as these residues differ in some properties. This substitution occurs at a position that is conserved across species. In silico analysis predicts this variant is probably damaging to the protein structure/function. However, this substitution does not occur within known functional domains of the tuberin protein, where many pathogenic missense mutations have been identified (Northrup et al., 2011; Au et al., 2007). Therefore, based on the currently available information, it is unclear whether this variant is a pathogenic mutation or a rare benign variant. The variant is found in EPILEPSY panel(s).